The following is an entry in ClinVar:

Conditions:
Breast-ovarian cancer, familial, susceptibility to, 1 (BROVCA1). Also called: BRCA1 Hereditary Breast and Ovarian Cancer; OVARIAN CANCER, SUSCEPTIBILITY TO. Identifiers: Orphanet 145, MedGen C2676676, MONDO:0011450, OMIM 604370. Disease mechanism: loss of function.

Submission:

Brotman Baty Institute, University of Washington
No classification provided (evidence only). Condition: Breast-ovarian cancer, familial 1. Review status: no classification provided. Collection method: in vitro. Allele origin: not applicable. Functional consequence: functionally_normal.
ClinVar note: "not provided" was previously submitted as the classification for the variant. However, the classification appeared to be based only on an observation of functional data so it was converted to no classification on 2025-07-30.

NM_007294.4(BRCA1):c.4916T>G (p.Leu1639Trp)

Gene: BRCA1 (BRCA1 DNA repair associated; minus strand). Cytogenetic location: 17q21.31.
Variant type: single nucleotide variant.
Coding change: c.4916T>G on transcript NM_007294.4 (MANE Select); coding-DNA position 4916, T replaced by G.
Protein change: p.Leu1639Trp; replaces leucine 1639 with tryptophan.
Molecular consequence: missense variant. On other transcripts: non-coding transcript variant (1).
Genome position (GRCh38, 1-based): chr17:43,070,998, A>C on the plus strand (T>G on the coding strand, the complement: BRCA1 is on the minus strand). VCF-style: chr17-43070998-A-C. GRCh37 (hg19) VCF-style: chr17-41223015-A-C.
Other names: c.4703T>G, p.Leu1568Trp (NM_001407571.1, NM_001407894.1, NM_001407908.1 and 12 more transcripts); c.4982T>G, p.Leu1661Trp (NM_001407581.1, NM_001407582.1); c.4979T>G, p.Leu1660Trp (NM_001407583.1, NM_001407585.1, NM_001407587.1 and 1 more transcripts); c.4976T>G, p.Leu1659Trp (NM_001407590.1, NM_001407591.1); c.4916T>G, p.Leu1639Trp (NM_001407593.1, NM_001407594.1, NM_001407596.1 and 8 more transcripts); c.4913T>G, p.Leu1638Trp (NM_001407615.1, NM_001407616.1, NM_001407617.1 and 17 more transcripts); c.4910T>G, p.Leu1637Trp (NM_001407634.1, NM_001407635.1, NM_001407636.1 and 14 more transcripts); c.4835T>G, p.Leu1612Trp (NM_001407656.1, NM_001407657.1, NM_001407658.1); and 70 more; short protein forms L1592W, L1639W, L535W, L1660W, L1342W, L1485W, L1550W, L1551W.
Identifiers: ClinVar variation 865413 (VCV000865413.3), dbSNP rs1567774676, ClinGen allele CA10591689.
Genomic context (GRCh38, chr17:43,070,998, plus strand): 5'-GGGGTCAGGCCAGACACCACCATGGACATTCTTTTGTTGACCCTTTCTGTTGAAGCTGTC[A>C]ATTCTGGCTTCTCCCTGCTCACACTTTCTTCCATTGCATTATACCCAGCAGTATCAGTAG-3'
Protein context (NP_009225.1, residues 1629-1649): EESVSREKPE[Leu1639Trp]TASTERVNKR